The following is an entry in ClinVar:

NM_000238.4(KCNH2):c.971T>C (p.Leu324Pro)

Gene: KCNH2 (potassium voltage-gated channel subfamily H member 2; minus strand). Cytogenetic location: 7q36.1.
Variant type: single nucleotide variant.
Coding change: c.971T>C on transcript NM_000238.4 (MANE Select); coding-DNA position 971, T replaced by C.
Protein change: p.Leu324Pro; replaces leucine 324 with proline.
Molecular consequence: missense variant. On other transcripts: non-coding transcript variant (1).
Genome position (GRCh38, 1-based): chr7:150,957,448, A>G on the plus strand (T>C on the coding strand, the complement: KCNH2 is on the minus strand). VCF-style: chr7-150957448-A-G. GRCh37 (hg19) VCF-style: chr7-150654536-A-G.
Other names: c.683T>C, p.Leu228Pro (NM_001406753.1, NM_001406756.1); c.794T>C, p.Leu265Pro (NM_001406755.1); c.671T>C, p.Leu224Pro (NM_001406757.1); c.971T>C, p.Leu324Pro (NM_172056.3); short protein forms L228P, L224P, L265P, L324P.
Identifiers: ClinVar variation 3682025 (VCV003682025.2).

ClinVar aggregate classification (germline): Uncertain significance (1 of 4 stars; one submission).

Conditions:
Long QT syndrome (LQTS). Identifiers: MedGen C0023976, MeSH D008133, MONDO:0002442. Disease mechanism: loss of function. Inheritance: Various modes of inheritance.

Submission:

Labcorp Genetics (formerly Invitae), Labcorp
Classification: Uncertain significance for Long QT syndrome. Last evaluated: 2025-08-26. Review status: criteria provided, single submitter. Criteria: Invitae Variant Classification Sherloc (09022015). Collection method: clinical testing. Allele origin: germline.
Comment: This sequence change replaces leucine, which is neutral and non-polar, with proline, which is neutral and non-polar, at codon 324 of the KCNH2 protein (p.Leu324Pro). This variant is not present in population databases (gnomAD no frequency). This variant has not been reported in the literature in individuals affected with KCNH2-related conditions. ClinVar contains an entry for this variant (Variation ID: 3682025). An algorithm developed to predict the effect of missense changes on protein structure and function (PolyPhen-2) suggests that this variant is likely to be disruptive. In summary, the available evidence is currently insufficient to determine the role of this variant in disease. Therefore, it has been classified as a Variant of Uncertain Significance.